The following is an entry in ClinVar:

ClinVar aggregate classification (germline): Uncertain significance (1 of 4 stars; one submission).

Conditions:
Charcot-Marie-Tooth disease axonal type 2C (HMSN2C). Also called: CHARCOT-MARIE-TOOTH DISEASE, AXONAL, AUTOSOMAL DOMINANT, TYPE 2C; Charcot-Marie-Tooth Neuropathy Type 2C; Charcot-Marie-Tooth Disease Type 2, TRPV4-Related (CMT2C). Identifiers: Orphanet 99937, MedGen C1853710, MONDO:0011633, OMIM 606071.

gnomAD v4.1: 3 of 1,613,950 alleles (0.00019%); highest among the groups gnomAD compares: Non-Finnish European, 0.00025%; no homozygotes.

Submission:

Labcorp Genetics (formerly Invitae), Labcorp
Classification: Uncertain significance for Charcot-Marie-Tooth disease axonal type 2C. Last evaluated: 2024-09-06. Review status: criteria provided, single submitter. Criteria: Invitae Variant Classification Sherloc (09022015). Collection method: clinical testing. Allele origin: germline.
Comment: This sequence change falls in intron 3 of the TRPV4 gene. It does not directly change the encoded amino acid sequence of the TRPV4 protein. It affects a nucleotide within the consensus splice site. This variant is present in population databases (no rsID available, gnomAD 0.0009%). This variant has not been reported in the literature in individuals affected with TRPV4-related conditions. Variants that disrupt the consensus splice site are a relatively common cause of aberrant splicing (PMID: 17576681, 9536098). Algorithms developed to predict the effect of sequence changes on RNA splicing suggest that this variant is not likely to affect RNA splicing. In summary, the available evidence is currently insufficient to determine the role of this variant in disease. Therefore, it has been classified as a Variant of Uncertain Significance.

Literature cited by the submitters: PubMed 17576681; PubMed 9536098.

NM_021625.5(TRPV4):c.559+3G>T

Gene: TRPV4 (transient receptor potential cation channel subfamily V member 4; minus strand). Cytogenetic location: 12q24.11.
Variant type: single nucleotide variant.
Coding change: c.559+3G>T on transcript NM_021625.5 (MANE Select); 3 bases into the intron after coding-DNA position 559, G replaced by T.
Molecular consequence: intron variant.
Genome position (GRCh38, 1-based): chr12:109,808,293, C>A on the plus strand (G>T on the coding strand, the complement: TRPV4 is on the minus strand). VCF-style: chr12-109808293-C-A. GRCh37 (hg19) VCF-style: chr12-110246098-C-A.
Other names: c.559+3G>T (NM_001177433.1, NM_001177428.1, NM_147204.2); c.457+3G>T (NM_001177431.1).
Identifiers: ClinVar variation 3686706 (VCV003686706.2).